The following is an entry in ClinVar:

NM_001753.5(CAV1):c.181G>T (p.Asp61Tyr)

Genes: CAV1 (caveolin 1; plus strand), LOC129999169 (ATAC-STARR-seq lymphoblastoid silent region 18558; plus strand). Cytogenetic location: 7q31.2.
Variant type: single nucleotide variant.
Coding change: c.181G>T on transcript NM_001753.5 (MANE Select); coding-DNA position 181, G replaced by T.
Protein change: p.Asp61Tyr; replaces aspartic acid 61 with tyrosine.
Molecular consequence: missense variant.
Genome position (GRCh38, 1-based): chr7:116,526,675, G>T. VCF-style: chr7-116526675-G-T. GRCh37 (hg19) VCF-style: chr7-116166729-G-T.
Other names: c.88G>T, p.Asp30Tyr (NM_001172895.1, NM_001172896.2, NM_001172897.2); short protein forms D30Y, D61Y.
Identifiers: ClinVar variation 4828368 (VCV004828368.1).

ClinVar aggregate classification (germline): Uncertain significance (1 of 4 stars; one submission).

Conditions:
Inborn genetic diseases. Identifiers: MedGen C0950123, MeSH D030342.

Submission:

Ambry Genetics
Classification: Uncertain significance for Inborn genetic diseases. Last evaluated: 2026-01-24. Review status: criteria provided, single submitter. Criteria: Ambry Variant Classification Scheme 2023. Collection method: clinical testing. Allele origin: germline.
Comment: The p.D61Y variant (also known as c.181G>T), located in coding exon 2 of the CAV1 gene, results from a G to T substitution at nucleotide position 181. The aspartic acid at codon 61 is replaced by tyrosine, an amino acid with highly dissimilar properties. This amino acid position is conserved. In addition, this alteration is predicted to be deleterious by in silico analysis. Based on the available evidence, the clinical significance of this variant remains unclear.